The following is an entry in ClinVar:

ClinVar aggregate classification (germline): Likely pathogenic (1 of 4 stars; one submission).

Conditions:
Familial hypokalemia-hypomagnesemia (GTLMNS). Also called: HYPOMAGNESEMIA-HYPOKALEMIA, PRIMARY RENOTUBULAR, WITH HYPOCALCIURIA; POTASSIUM AND MAGNESIUM DEPLETION; gitelman syndrome. Identifiers: Orphanet 358, MedGen C0268450, MONDO:0009904, OMIM 263800.

Submission:

Women's Health and Genetics/Laboratory Corporation of America, LabCorp
Classification: Likely pathogenic for Familial hypokalemia-hypomagnesemia. Last evaluated: 2022-10-31. Review status: criteria provided, single submitter. Criteria: LabCorp Variant Classification Summary - May 2015. Collection method: clinical testing. Allele origin: germline.
Comment: Variant summary: The variant identified by MLPA or other technology involves the deletion of exons 1-6 and the partial deletion of exon 7 in the SLC12A3 gene. A presumed nomenclature of c.(?_-30)_885del has been designated for the purposes of this classification. Although exact breakpoints of this deletion are not known, it is expected to remove the initiation codon and is predicted to result either in absence of the protein or truncation of the encoded protein due to translation initiation at a downstream site. An alternative downstream in-frame start codon (Met343) is located in exon 8 of the encoded protein. An activation of this potential downstream translation initiation site would result in a shortened protein missing the first 342 amino acids from the protein sequence, resulting in a large deletion in the SLC12A3 gene, a known mechanism of disease. Multiple variants located upstream of this alternate initiation codon, including several ones affecting the canonical initiation codon, have been reported as pathogenic/disease-causing in ClinVar/HGMD. The variant was absent in 21694 control chromosomes (gnomAD, Structural Variants dataset). To our knowledge, no occurrence of c.(?_-30)_885del in individuals affected with Familial Hypokalemia-Hypomagnesemia (Gitelman syndrome) and no experimental evidence demonstrating its impact on protein function have been reported. Nevertheless, deletion of exons 1-7 and deletion of exons 1-6 has been reported in the literature in multiple individuals affected with Gitelman Syndrome (PMIDs: 11168953, 22009145). One clinical diagnostic laboratory has submitted a clinical-significance assessment for a similar variant to ClinVar after 2014, which also involves the deletion of exons 1-6 and the partial deletion of exon 7 (Variation ID: 945564), and classified that variant as pathogenic. Based on the evidence outlined above, c.(?_-30)_885del was classified as likely pathogenic.

Literature cited by the submitters: PubMed 22009145; PubMed 11168953.

NC_000016.9:g.(?_56899118)_56906295del

Gene: SLC12A3 (solute carrier family 12 member 3; plus strand). Cytogenetic location: 16q13.
Variant type: Deletion.
Identifiers: ClinVar variation 1804676 (VCV001804676.1).